The following is an entry in ClinVar:

NM_000807.4(GABRA2):c.159C>T (p.Tyr53=)

Gene: GABRA2 (gamma-aminobutyric acid type A receptor subunit alpha2; minus strand). Cytogenetic location: 4p12.
Variant type: single nucleotide variant.
Coding change: c.159C>T on transcript NM_000807.4 (MANE Select); coding-DNA position 159, C replaced by T.
Protein change: p.Tyr53=; no amino-acid change (tyrosine 53 retained).
Molecular consequence: synonymous variant. On other transcripts: missense variant (4).
Genome position (GRCh38, 1-based): chr4:46,386,102, G>A on the plus strand (C>T on the coding strand, the complement: GABRA2 is on the minus strand). VCF-style: chr4-46386102-G-A. GRCh37 (hg19) VCF-style: chr4-46388119-G-A.
Other names: c.159C>T, p.Tyr53= (NM_001114175.3, NM_001330690.2, NM_001377144.1 and 8 more transcripts); c.62C>T, p.Thr21Met (NM_001286827.3, NM_001377152.1, NM_001377153.1 and 1 more transcripts); short protein forms T21M.
Identifiers: ClinVar variation 775217 (VCV000775217.34), dbSNP rs75636490, ClinGen allele CA2906786.
Genomic context (GRCh38, chr4:46,386,102, plus strand): 5'-CGAGAGTTTTAAAAGAGGAAAACTATTTTTACCTCCCAGTCCTGGTCTAAGCCGATTATC[G>A]TAACCATCCAGAAGTCTGTCAAGAATTCTCGTAAAGATGGTAATGTTATTTTTAGCCTCA-3'
Protein context (NP_000798.2, residues 43-63): TRILDRLLDG[Tyr53=]DNRLRPGLGD

ClinVar aggregate classification (germline): Likely benign. Review status: criteria provided, multiple submitters, no conflicts (2 of 4 stars). 3 submissions from 3 submitters: Likely benign (3). Last evaluated 2026-03-01.

Allele frequency attached by ClinVar (database versions not stated): ESP Exome Variant Server 0.00046; 1000 Genomes Project 30x 0.00062; gnomAD exomes 0.00074 and 0.00139; 1000 Genomes Project 0.00080; gnomAD 0.00101 and 0.00102; TOPMed 0.00108; ExAC 0.00111.
gnomAD v4.1: 1,297 of 1,610,590 alleles (0.081%); highest among the groups gnomAD compares: Middle Eastern, 1.5%; 10 homozygotes.

Submissions (3):

CeGaT Center for Human Genetics Tuebingen
Classification: Likely benign. Last evaluated: 2026-03-01. Review status: criteria provided, single submitter. Criteria: CeGaT Center For Human Genetics Tuebingen Variant Classification Criteria Version 2. Collection method: clinical testing. Allele origin: germline. Affected: yes. Observed: 5 variant alleles.
Comment: GABRA2: BP4, BP7

Labcorp Genetics (formerly Invitae), Labcorp
Classification: Likely benign. Last evaluated: 2026-02-02. Review status: criteria provided, single submitter. Criteria: Invitae Variant Classification Sherloc (09022015). Collection method: clinical testing. Allele origin: germline.

Breakthrough Genomics
Classification: Likely benign. Review status: criteria provided, single submitter. Criteria: ACMG Guidelines, 2015. Collection method: not provided. Allele origin: germline. Inheritance: Autosomal dominant inheritance. Affected: yes.